The following is an entry in ClinVar:

ClinVar aggregate classification (germline): Uncertain significance. Review status: criteria provided, multiple submitters, no conflicts (2 of 4 stars). 3 submissions from 3 submitters: Uncertain significance (3). Last evaluated 2024-08-12.

Conditions:
Inborn genetic diseases. Identifiers: MedGen C0950123, MeSH D030342.
Congenital insensitivity to pain-hypohidrosis syndrome. Also called: HSAN VIII; Neuropathy, hereditary sensory and autonomic, type VIII. Identifiers: Orphanet 478664, MedGen C4225308, MONDO:0014662, OMIM 616488.

Allele frequency attached by ClinVar (database versions not stated): gnomAD 0.00004 and 0.00005; gnomAD exomes 0.00007.
gnomAD v4.1: 69 of 1,072,204 alleles (0.0064%); highest among the groups gnomAD compares: Admixed American, 0.011%; no homozygotes.

Submissions (3):

Mayo Clinic Laboratories, Mayo Clinic
Classification: Uncertain significance. Last evaluated: 2024-08-12. Review status: criteria provided, single submitter. Criteria: ACMG Guidelines, 2015. Collection method: clinical testing. Allele origin: germline. Observed: 1 variant allele.
Comment: BP4

Ambry Genetics
Classification: Uncertain significance for Inborn genetic diseases. Last evaluated: 2024-05-07. Review status: criteria provided, single submitter. Criteria: Ambry Variant Classification Scheme 2023. Collection method: clinical testing. Allele origin: germline.

Labcorp Genetics (formerly Invitae), Labcorp
Classification: Uncertain significance for Congenital insensitivity to pain-hypohidrosis syndrome. Last evaluated: 2021-11-23. Review status: criteria provided, single submitter. Criteria: Invitae Variant Classification Sherloc (09022015). Collection method: clinical testing. Allele origin: germline.
Comment: This sequence change replaces histidine, which is basic and polar, with proline, which is neutral and non-polar, at codon 343 of the PRDM12 protein (p.His343Pro). The frequency data for this variant in the population databases is considered unreliable, as metrics indicate poor data quality at this position in the gnomAD database. This variant has not been reported in the literature in individuals affected with PRDM12-related conditions. ClinVar contains an entry for this variant (Variation ID: 854535). Algorithms developed to predict the effect of missense changes on protein structure and function are either unavailable or do not agree on the potential impact of this missense change (SIFT: "Tolerated"; PolyPhen-2: "Not Available"; Align-GVGD: "Class C0"). In summary, the available evidence is currently insufficient to determine the role of this variant in disease. Therefore, it has been classified as a Variant of Uncertain Significance.

NM_021619.3(PRDM12):c.1028A>C (p.His343Pro)

Gene: PRDM12 (PR/SET domain 12; plus strand). Cytogenetic location: 9q34.12.
Variant type: single nucleotide variant.
Coding change: c.1028A>C on transcript NM_021619.3 (MANE Select); coding-DNA position 1028, A replaced by C.
Protein change: p.His343Pro; replaces histidine 343 with proline.
Molecular consequence: missense variant.
Genome position (GRCh38, 1-based): chr9:130,681,593, A>C. VCF-style: chr9-130681593-A-C. GRCh37 (hg19) VCF-style: chr9-133556980-A-C.
Other names: p.His343Pro; short protein forms H343P.
Identifiers: ClinVar variation 854535 (VCV000854535.7), dbSNP rs1443107336, ClinGen allele CA375245207.